The following is an entry in ClinVar:

NM_000186.4(CFH):c.3265G>A (p.Val1089Met)

Gene: CFH (complement factor H; plus strand). Cytogenetic location: 1q31.3.
Variant type: single nucleotide variant.
Coding change: c.3265G>A on transcript NM_000186.4 (MANE Select); coding-DNA position 3265, G replaced by A.
Protein change: p.Val1089Met; replaces valine 1089 with methionine.
Molecular consequence: missense variant.
Genome position (GRCh38, 1-based): chr1:196,743,583, G>A. VCF-style: chr1-196743583-G-A. GRCh37 (hg19) VCF-style: chr1-196712713-G-A.
Other names: short protein forms V1089M.
Identifiers: ClinVar variation 4291550 (VCV004291550.2).

ClinVar aggregate classification (germline): Uncertain significance. Review status: criteria provided, multiple submitters, no conflicts (2 of 4 stars). 2 submissions from 2 submitters: Uncertain significance (2). Last evaluated 2025-10-15.

Conditions:
Atypical hemolytic-uremic syndrome. Identifiers: Orphanet 2134, MedGen C2931788, MONDO:0016244.
Basal laminar drusen. Also called: DRUSEN OF BRUCH MEMBRANE; DRUSEN, CUTICULAR; DRUSEN, EARLY ADULT-ONSET, GROUPED. Identifiers: Orphanet 75376, MedGen C0730295, MONDO:0007472, OMIM 126700.
Factor H deficiency (CFHD). Also called: COMPLEMENT FACTOR H DEFICIENCY; CFH DEFICIENCY. Identifiers: Orphanet 200421, MedGen C0398777, MONDO:0012350, OMIM 609814.
Age related macular degeneration 4. Identifiers: MedGen C1853147, MONDO:0012540, OMIM 610698.

Submissions (2):

Women's Health and Genetics/Laboratory Corporation of America, LabCorp
Classification: Uncertain significance. Last evaluated: 2025-10-15. Review status: criteria provided, single submitter. Criteria: LabCorp Variant Classification Summary - May 2015. Collection method: clinical testing. Allele origin: germline.
Comment: Variant summary: CFH c.3265G>A (p.Val1089Met) results in a conservative amino acid change in the encoded protein sequence. Algorithms developed to predict the effect of missense changes on protein structure and function all suggest that this variant is likely to be tolerated. The frequency data for this variant in gnomAD is considered unreliable, as metrics indicate poor data quality at this position. To our knowledge, no occurrence of c.3265G>A in individuals affected with CFH-related conditions and no experimental evidence demonstrating its impact on protein function have been reported. No submitters have cited clinical-significance assessments for this variant to ClinVar. Based on the evidence outlined above, the variant was classified as uncertain significance.

Genomenon, Inc
Classification: Uncertain significance for Basal laminar drusen; Age related macular degeneration 4; Atypical hemolytic-uremic syndrome; Factor H deficiency. Last evaluated: 2025-10-02. Review status: criteria provided, single submitter. Criteria: Genomenon Sequence Variant Interpretation Standards - Updated. Collection method: curation. Allele origin: germline. Affected: no.
Comment: CFH p.Val1089Met (c.3265G>A) is a missense variant that changes the amino acid at residue 1089 from Valine to Methionine. This variant has been reported in the published literature (PMID:27905547). It is absent or not present at a significant frequency in gnomAD. In conclusion, we classify CFH p.Val1089Met (c.3265G>A) as a variant of uncertain significance.

Literature cited by the submitters: PubMed 27905547 (cited by Genomenon, Inc).